The following is an entry in ClinVar:

NM_006946.4(SPTBN2):c.657-70G>A

Gene: SPTBN2 (spectrin beta, non-erythrocytic 2; minus strand). Cytogenetic location: 11q13.2.
Variant type: single nucleotide variant.
Coding change: c.657-70G>A on transcript NM_006946.4 (MANE Select); 70 bases into the intron before coding-DNA position 657, G replaced by A.
Molecular consequence: intron variant.
Genome position (GRCh38, 1-based): chr11:66,713,816, C>T on the plus strand (G>A on the coding strand, the complement: SPTBN2 is on the minus strand). VCF-style: chr11-66713816-C-T. GRCh37 (hg19) VCF-style: chr11-66481287-C-T.
Other names: NC_000011.9:g.66481287C>T.
Identifiers: ClinVar variation 1810621 (VCV001810621.2), dbSNP rs142797448, ClinGen allele CA224095188.

ClinVar aggregate classification (germline): Likely benign (1 of 4 stars; one submission).

Allele frequency attached by ClinVar (database versions not stated): 1000 Genomes Project 0.00339; 1000 Genomes Project 30x 0.00344; gnomAD 0.00376; TOPMed 0.00467.
gnomAD v4.1: 1,055 of 1,314,102 alleles (0.08%); highest among the groups gnomAD compares: African/African-American, 1.4%; 9 homozygotes.

Submissions (3):

GeneDx
Classification: Likely benign. Last evaluated: 2022-02-08. Review status: criteria provided, single submitter. Criteria: GeneDx Variant Classification Process June 2021. Collection method: clinical testing. Allele origin: germline. Affected: yes.
Comment: See Variant Classification Assertion Criteria.

Dr. Peter K. Rogan Lab, Western University
No classification provided (evidence only). Condition: Cervical cancer. Review status: no classification provided. Collection method: in vitro. Allele origin: not applicable. Functional consequence: retained intron. Not counted in ClinVar's aggregate classification.

Dr. Peter K. Rogan Lab, Western University
No classification provided (evidence only). Condition: Malignant tumor of esophagus. Review status: no classification provided. Collection method: in vitro. Allele origin: not applicable. Functional consequence: retained intron. Not counted in ClinVar's aggregate classification.